The following is an entry in ClinVar:

NC_000006.11:g.(?_42689492)_(42690072_?)del

Gene: PRPH2 (peripherin 2; minus strand). Cytogenetic location: 6p21.1.
Variant type: Deletion.
Identifiers: ClinVar variation 1071016 (VCV001071016.1).

ClinVar aggregate classification (germline): Pathogenic (1 of 4 stars; one submission).

Conditions:
PRPH2-related disorder. Also called: PRPH2-related condition; PRPH2-related disorders. Identifiers: MedGen CN239395.

Submission:

Labcorp Genetics (formerly Invitae), Labcorp
Classification: Pathogenic for PRPH2-related disorder. Last evaluated: 2020-08-21. Review status: criteria provided, single submitter. Criteria: Invitae Variant Classification Sherloc (09022015). Collection method: clinical testing. Allele origin: germline.
Comment: This variant is a gross deletion of the genomic region encompassing exon 1 of the PRPH2 gene, which includes the initiator codon. The 5' end of this event is unknown as it extends beyond the assayed region for this gene and therefore may encompass additional genes. The 3' boundary is likely confined to intron 1 of the PRPH2 gene. This is expected to result in an absent or disrupted protein product. A similar copy number variation has been observed in individual(s) with cone and cone-rod dystrophy (PMID: 26103963). Loss-of-function variants in PRPH2 are known to be pathogenic (PMID: 8111389, 8485576, 8675410, 16916875, 17504850, 25675413, 26061163, 27365499, 29555955). For these reasons, this variant has been classified as Pathogenic.

Literature cited by the submitters: PubMed 26103963; PubMed 8111389; PubMed 8485576; PubMed 8675410; PubMed 16916875; PubMed 17504850; PubMed 25675413; PubMed 26061163; PubMed 27365499; PubMed 29555955.